The following is an entry in ClinVar:

NM_001017975.6(HFM1):c.5T>C (p.Leu2Pro)

Gene: HFM1 (helicase for meiosis 1; minus strand). Cytogenetic location: 1p22.2.
Variant type: single nucleotide variant.
Coding change: c.5T>C on transcript NM_001017975.6 (MANE Select); coding-DNA position 5, T replaced by C.
Protein change: p.Leu2Pro; replaces leucine 2 with proline.
Molecular consequence: missense variant. On other transcripts: non-coding transcript variant (1).
Genome position (GRCh38, 1-based): chr1:91,401,078, A>G on the plus strand (T>C on the coding strand, the complement: HFM1 is on the minus strand). VCF-style: chr1-91401078-A-G. GRCh37 (hg19) VCF-style: chr1-91866635-A-G.
Other names: short protein forms L2P.
Identifiers: ClinVar variation 723874 (VCV000723874.7), dbSNP rs72952916, ClinGen allele CA946603.
Genomic context (GRCh38, chr1:91,401,078, plus strand): 5'-ACTTCATCTGGTTTTTCAAAAAACAAATTTTCCAAAGAAAACAGGCAATCATTTGATTTC[A>G]GCATTGTTGAAAACTGGACTTTGTCATAAATCTACAAAATATGGAAAAAGTAGTTTATAT-3'
Protein context (NP_001017975.5, residues 1-12): M[Leu2Pro]KSNDCLFSLE

ClinVar aggregate classification (germline): Benign/Likely benign. Review status: criteria provided, multiple submitters, no conflicts (2 of 4 stars). 4 submissions from 4 submitters: Benign (3); Likely benign (1). Last evaluated 2025-06-25.

Conditions:
HFM1-related disorder. Also called: HFM1-related condition.

Allele frequency attached by ClinVar (database versions not stated): gnomAD exomes 0.00042 and 0.00120; ExAC 0.00154; gnomAD 0.00436 and 0.00463; 1000 Genomes Project 0.00439; TOPMed 0.00464; 1000 Genomes Project 30x 0.00562; ESP Exome Variant Server 0.00570.
gnomAD v4.1: 1,287 of 1,545,348 alleles (0.083%); highest among the groups gnomAD compares: African/African-American, 1.4%; 10 homozygotes.

Submissions (4):

PreventionGenetics, part of Exact Sciences
Classification: Benign for HFM1-related condition. Last evaluated: 2025-06-25. Review status: criteria provided, single submitter. Criteria: ACMG Guidelines, 2015. Collection method: clinical testing. Allele origin: germline.
Comment: This variant is classified as benign based on ACMG/AMP sequence variant interpretation guidelines (Richards et al. 2015 PMID: 25741868, with internal and published modifications).

Blueprint Genetics
Classification: Likely benign. Last evaluated: 2024-09-02. Review status: criteria provided, single submitter. Criteria: ACMG Guidelines, 2015. Collection method: clinical testing. Allele origin: germline.

Labcorp Genetics (formerly Invitae), Labcorp
Classification: Benign. Last evaluated: 2019-12-31. Review status: criteria provided, single submitter. Criteria: Invitae Variant Classification Sherloc (09022015). Collection method: clinical testing. Allele origin: germline.

Breakthrough Genomics
Classification: Benign. Review status: criteria provided, single submitter. Criteria: ACMG Guidelines, 2015. Collection method: not provided. Allele origin: germline. Inheritance: Autosomal recessive inheritance. Affected: yes.